The following is an entry in ClinVar:

ClinVar aggregate classification (germline): Likely pathogenic (0 of 4 stars; one submission).

Conditions:
Hereditary spastic paraplegia 7 (SPG7). Also called: Spastic paraplegia 7; Hereditary spastic paraplegia Paraplegin type; SPASTIC PARAPLEGIA 7, AUTOSOMAL RECESSIVE, WITH OR WITHOUT CEREBELLAR ATAXIA; SPG7-related neurologic disorder; Autosomal recessive spastic paraplegia type 7. Identifiers: Orphanet 99013, MedGen C1846564, MONDO:0011803, OMIM 607259.

Submission:

Solve-RD Consortium
Classification: Likely pathogenic for Hereditary spastic paraplegia 7. Last evaluated: 2022-06-01. Review status: no assertion criteria provided. Collection method: provider interpretation. Allele origin: inherited. Affected: yes.
Comment: Variant confirmed as disease-causing by referring clinical team

Variant identified during reanalysis of unsolved cases by the Solve-RD project. The Solve-RD project has received funding from the European Union’s Horizon 2020 research and innovation programme under grant agreement No 779257.

Literature cited by the submitters: PubMed 39825153.

NM_003119.4(SPG7):c.1719del (p.His574fs)

Gene: SPG7 (SPG7 matrix AAA peptidase subunit, paraplegin; plus strand). Cytogenetic location: 16q24.3.
Variant type: Deletion.
Coding change: c.1719del on transcript NM_003119.4 (MANE Select); coding-DNA position 1719, one base deleted (T; older notation c.1719delT).
Protein change: p.His574fs; shifts the reading frame from histidine 574.
Molecular consequence: frameshift variant.
Genome position (GRCh38, 1-based): chr16:89,550,549, T deleted; the last of 3 consecutive T bases (chr16:89,550,547-89,550,549); deleting any one gives the same sequence. VCF-style (leftmost placement, unchanged base first): chr16-89550546-GT-G. GRCh37 (hg19) VCF-style: chr16-89616954-GT-G.
Other names: c.1719del, p.His574fs (NM_001363850.1); short protein forms H574fs.
Identifiers: ClinVar variation 3338079 (VCV003338079.1).